The following is an entry in ClinVar:

NM_000709.4(BCKDHA):c.648G>A (p.Ala216=)

Gene: BCKDHA (branched chain keto acid dehydrogenase E1 subunit alpha; plus strand). Cytogenetic location: 19q13.2.
Variant type: single nucleotide variant.
Coding change: c.648G>A on transcript NM_000709.4 (MANE Select); coding-DNA position 648, G replaced by A.
Protein change: p.Ala216=; no amino-acid change (alanine 216 retained).
Molecular consequence: synonymous variant.
Genome position (GRCh38, 1-based): chr19:41,422,165, G>A. VCF-style: chr19-41422165-G-A. GRCh37 (hg19) VCF-style: chr19-41928070-G-A.
Other names: c.648G>A, p.Ala216= (NM_001164783.2); c.648G>A (NM_000709.3).
Identifiers: ClinVar variation 2081374 (VCV002081374.3), dbSNP rs114716391, ClinGen allele CA9461232.

ClinVar aggregate classification (germline): Uncertain significance. Review status: criteria provided, single submitter (1 of 4 stars). 2 submissions from 2 submitters: Uncertain significance (1). 1 of the submissions does not count toward it. Last evaluated 2022-03-16.

Conditions:
Maple syrup urine disease (MSUD). Identifiers: Orphanet 511, MedGen C0024776, MeSH D008375, MONDO:0009563. Disease mechanism: loss of function.
BCKDHA-related disorder. Also called: BCKDHA-related condition.

Allele frequency attached by ClinVar (database versions not stated): 1000 Genomes Project 30x 0.00031.
gnomAD v4.1: 26 of 1,613,220 alleles (0.0016%); highest among the groups gnomAD compares: Admixed American, 0.005%; no homozygotes.

Submissions (2):

Labcorp Genetics (formerly Invitae), Labcorp
Classification: Uncertain significance for Maple syrup urine disease. Last evaluated: 2022-03-16. Review status: criteria provided, single submitter. Criteria: Invitae Variant Classification Sherloc (09022015). Collection method: clinical testing. Allele origin: germline.
Comment: This sequence change affects codon 216 of the BCKDHA mRNA. It is a 'silent' change, meaning that it does not change the encoded amino acid sequence of the BCKDHA protein. This variant is present in population databases (rs114716391, gnomAD 0.009%). This variant has not been reported in the literature in individuals affected with BCKDHA-related conditions. Algorithms developed to predict the effect of sequence changes on RNA splicing suggest that this variant may create or strengthen a splice site. In summary, the available evidence is currently insufficient to determine the role of this variant in disease. Therefore, it has been classified as a Variant of Uncertain Significance.

PreventionGenetics, part of Exact Sciences
Classification: Likely benign for BCKDHA-related condition. Last evaluated: 2022-09-24. Review status: no assertion criteria provided. Collection method: clinical testing. Allele origin: germline. Not counted in ClinVar's aggregate classification.
Comment: This variant is classified as likely benign based on ACMG/AMP sequence variant interpretation guidelines (Richards et al. 2015 PMID: 25741868, with internal and published modifications).